The following is an entry in ClinVar:

ClinVar aggregate classification (germline): Uncertain significance. Review status: criteria provided, multiple submitters, no conflicts (2 of 4 stars). 2 submissions from 2 submitters: Uncertain significance (2). Last evaluated 2026-03-25.

Conditions:
NTRK2-related disorder. Also called: NTRK2-related condition.

Allele frequency attached by ClinVar (database versions not stated): gnomAD exomes below 0.00001 and 0.00001; ExAC 0.00002; TOPMed 0.00002; gnomAD 0.00003.
gnomAD v4.1: 9 of 1,613,956 alleles (0.00056%); highest among the groups gnomAD compares: African/African-American, 0.0013%; no homozygotes.

Submissions (2):

PreventionGenetics, part of Exact Sciences
Classification: Uncertain significance for NTRK2-related condition. Last evaluated: 2026-03-25. Review status: criteria provided, single submitter. Criteria: ACMG Guidelines, 2015. Collection method: clinical testing. Allele origin: germline.
Comment: The NTRK2 c.718A>G variant is predicted to result in the amino acid substitution p.Met240Val. To our knowledge, this variant has not been reported in the literature. This variant is reported in 0.0062% of alleles in individuals of African descent in gnomAD. At this time, the clinical significance of this variant is uncertain due to the absence of conclusive functional and genetic evidence.

Labcorp Genetics (formerly Invitae), Labcorp
Classification: Uncertain significance. Last evaluated: 2024-11-11. Review status: criteria provided, single submitter. Criteria: Invitae Variant Classification Sherloc (09022015). Collection method: clinical testing. Allele origin: germline.
Comment: This sequence change replaces methionine, which is neutral and non-polar, with valine, which is neutral and non-polar, at codon 240 of the NTRK2 protein (p.Met240Val). This variant is present in population databases (rs767612147, gnomAD 0.007%). This variant has not been reported in the literature in individuals affected with NTRK2-related conditions. ClinVar contains an entry for this variant (Variation ID: 1507759). An algorithm developed to predict the effect of missense changes on protein structure and function (PolyPhen-2) suggests that this variant is likely to be tolerated. In summary, the available evidence is currently insufficient to determine the role of this variant in disease. Therefore, it has been classified as a Variant of Uncertain Significance.

NM_006180.6(NTRK2):c.718A>G (p.Met240Val)

Gene: NTRK2 (neurotrophic receptor tyrosine kinase 2; plus strand). Cytogenetic location: 9q21.33.
Variant type: single nucleotide variant.
Coding change: c.718A>G on transcript NM_006180.6 (MANE Select); coding-DNA position 718, A replaced by G.
Protein change: p.Met240Val; replaces methionine 240 with valine.
Molecular consequence: missense variant.
Genome position (GRCh38, 1-based): chr9:84,723,707, A>G. VCF-style: chr9-84723707-A-G. GRCh37 (hg19) VCF-style: chr9-87338622-A-G.
Other names: c.718A>G, p.Met240Val (NM_001369543.1, NM_001369544.1, NM_001369545.1 and 18 more transcripts); c.250A>G, p.Met84Val (NM_001369550.1, NM_001369551.1, NM_001369552.1 and 2 more transcripts); c.718A>G (NM_006180.4); short protein forms M240V, M84V.
Identifiers: ClinVar variation 1507759 (VCV001507759.7), dbSNP rs767612147, ClinGen allele CA5105556.
Genomic context (GRCh38, chr9:84,723,707, plus strand): 5'-GTGGCAGGTGATCCGGTTCCTAATATGTATTGGGATGTTGGTAACCTGGTTTCCAAACAT[A>G]TGGTAAGGCTTGTGTTTGGCTGTGTCTTAATAGAGAGACAAGAGTGTTTCAGAATGCGAG-3'
Protein context (NP_006171.2, residues 230-250): WDVGNLVSKH[Met240Val]NETSHTQGSL